The following is an entry in ClinVar:

NM_031935.3(HMCN1):c.3759_3760del (p.Glu1253fs)

Gene: HMCN1 (hemicentin 1; plus strand). Cytogenetic location: 1q31.1.
Variant type: Microsatellite.
Coding change: c.3759_3760del on transcript NM_031935.3 (MANE Select); coding-DNA positions 3759 to 3760, 2 bases deleted (GA; older notation c.3759_3760delGA).
Protein change: p.Glu1253fs; shifts the reading frame from glutamic acid 1253.
Molecular consequence: frameshift variant.
Genome position (GRCh38, 1-based): chr1:185,995,068-185,995,069, GA deleted; deleting any 2 consecutive bases within chr1:185,995,065-185,995,069 gives the same sequence; the c. name uses the placement nearest the transcript's 3' end. VCF-style (leftmost placement, unchanged base first): chr1-185995064-CAG-C. GRCh37 (hg19) VCF-style: chr1-185964196-CAG-C.
Other names: short protein forms E1253fs.
Identifiers: ClinVar variation 1513807 (VCV001513807.6), dbSNP rs1461614882, ClinGen allele CA528078952.

ClinVar aggregate classification (germline): Uncertain significance (1 of 4 stars; one submission).

Submission:

Labcorp Genetics (formerly Invitae), Labcorp
Classification: Uncertain significance. Last evaluated: 2024-12-08. Review status: criteria provided, single submitter. Criteria: Invitae Variant Classification Sherloc (09022015). Collection method: clinical testing. Allele origin: germline.
Comment: This sequence change creates a premature translational stop signal (p.Glu1253Aspfs*19) in the HMCN1 gene. It is expected to result in an absent or disrupted protein product. However, the current clinical and genetic evidence is not sufficient to establish whether loss-of-function variants in HMCN1 cause disease. This variant is present in population databases (no rsID available, gnomAD 0.0009%). This variant has not been reported in the literature in individuals affected with HMCN1-related conditions. In summary, the available evidence is currently insufficient to determine the role of this variant in disease. Therefore, it has been classified as a Variant of Uncertain Significance.